The following is an entry in ClinVar:

ClinVar aggregate classification (germline): Pathogenic. Review status: criteria provided, multiple submitters, no conflicts (2 of 4 stars). 8 submissions from 8 submitters: Pathogenic (7). 1 of the submissions does not count toward it. Last evaluated 2026-03-13.

Conditions:
Autosomal recessive Alport syndrome (ATS2). Also called: COL4A4 Alport Syndrome and Thin Basement Membrane Nephropathy; ALPORT SYNDROME 2, AUTOSOMAL RECESSIVE; COL4A3-Related Nephropathy; Alport syndrome type 2. Identifiers: Orphanet 63, Orphanet 88919, MedGen C4746745, MONDO:0008762, OMIM 203780.
COL4A4-related disorder.
Benign familial hematuria. Also called: thin basement membrane disease. Identifiers: MedGen C0241908, MONDO:0957317.
Alport syndrome. Also called: Hemorrhagic familial nephritis; Hemorrhagic hereditary nephritis; Congenital hereditary hematuria. Identifiers: Orphanet 63, MedGen C1567741, MONDO:0018965.

Submissions (8):

Women's Health and Genetics/Laboratory Corporation of America, LabCorp
Classification: Pathogenic for Autosomal recessive Alport syndrome. Last evaluated: 2026-03-13. Review status: criteria provided, single submitter. Criteria: LabCorp Variant Classification Summary - May 2015. Collection method: clinical testing. Allele origin: germline.
Comment: Variant summary: COL4A4 c.2219dupC (p.Val741CysfsX47) results in a premature termination codon, predicted to cause a truncation of the encoded protein or absence of the protein due to nonsense mediated decay, which are commonly known mechanisms for disease. Loss of function variants in this gene are known to be pathogenic. The variant was absent in 249306 control chromosomes. c.2219dupC has been observed in individuals affected with Alport Syndrome, Autosomal Recessive (Nabais S_2015). These data indicate that the variant is likely to be associated with disease. To our knowledge, no experimental evidence demonstrating an impact on protein function has been reported. The following publication have been ascertained in the context of this evaluation (PMID: 25307543). ClinVar contains an entry for this variant (Variation ID: 817981). Based on the evidence outlined above, the variant was classified as pathogenic.

Labcorp Genetics (formerly Invitae), Labcorp
Classification: Pathogenic. Last evaluated: 2025-09-16. Review status: criteria provided, single submitter. Criteria: Invitae Variant Classification Sherloc (09022015). Collection method: clinical testing. Allele origin: germline.
Comment: This sequence change creates a premature translational stop signal (p.Val741Cysfs*47) in the COL4A4 gene. It is expected to result in an absent or disrupted protein product. Loss-of-function variants in COL4A4 are known to be pathogenic (PMID: 21196518, 24854265, 25307543). This variant is not present in population databases (gnomAD no frequency). This premature translational stop signal has been observed in individual(s) with Alport Syndrome and thin basement membrane nephropathy (PMID: 25307543, 26809805). ClinVar contains an entry for this variant (Variation ID: 817981). For these reasons, this variant has been classified as Pathogenic.

New York Genome Center
Classification: Pathogenic for Autosomal recessive Alport syndrome. Last evaluated: 2024-02-29. Review status: criteria provided, single submitter. Criteria: NYGC Assertion Criteria 2020. Collection method: clinical testing. Allele origin: inherited. Observed: 1 variant allele, 1 heterozygote.
Comment: The c.2219dup variant in COL4A4 has previously been reported in both homozygous and heterozygous states in individuals with COL4A4-related Alport syndrome spectrum [PMID:25307543, 26809805, 33838161] and it has been deposited in ClinVar [ClinVar ID: 817981] as Pathogenic by multiple submitters. The c.2219dup variant is observed in 7 alleles with 0 homozygote in population databases (GnomAD v.4.0.0, TOPmed Freeze 10, All of Us), suggesting it is not a common benign variant in the populations represented in those databases. The c.2219dup variant in COL4A4 is located in exon 28 of this 48-exon gene, predicted to incorporate a premature termination codon (p.(Val741CysfsTer47)), and is expected to result in loss-of-function via nonsense mediated decay. Multiple loss-of-function variants that are downstream to the c.2219dup variant have been reported in the literature [PMID: 32596782] in individuals with COL4A4-related Alport syndrome spectrum. Based on available evidence this inherited heterozygous c.2219dup p.(Val741CysfsTer47) variant identified in COL4A4 is classified here as Pathogenic.

PreventionGenetics, part of Exact Sciences
Classification: Pathogenic for COL4A4-related condition. Last evaluated: 2022-10-04. Review status: criteria provided, single submitter. Criteria: ACMG Guidelines, 2015. Collection method: clinical testing. Allele origin: germline.
Comment: The COL4A4 c.2219dupC variant is predicted to result in a frameshift and premature protein termination (p.Val741Cysfs*47). This variant was reported in the homozygous state in an individual with Alport syndrome (Nabais Sá et al 2015. PubMed ID: 25307543; Weber S et al 2016. PubMed ID: 26809805). This variant has not been reported in a large population database, indicating this variant is rare. Frameshift variants in COL4A4 are expected to be pathogenic. This variant is interpreted as pathogenic.

Fulgent Genetics
Classification: Pathogenic for Hematuria, benign familial, 1; Autosomal recessive Alport syndrome. Last evaluated: 2022-03-12. Review status: criteria provided, single submitter. Criteria: ACMG Guidelines, 2015. Collection method: clinical testing. Allele origin: unknown.

GeneDx
Classification: Pathogenic. Last evaluated: 2019-03-14. Review status: criteria provided, single submitter. Criteria: GeneDx Variant Classification (06012015). Collection method: clinical testing. Allele origin: germline. Affected: yes.
Comment: The c.2219dupC variant has been reported previously in the homozygous state in association with Alport syndrome (Nabais et al., 2015). The duplication causes a frameshift starting with codon Valine 741, changes this amino acid to a Cystine residue and creates a premature Stop codon at position 47 of the new reading frame, denoted p.Val741CysfsX47. This variant is predicted to cause loss of normal protein function either through protein truncation or nonsense-mediated mRNA decay. The variant is not observed in large population cohorts (Lek et al., 2016). We interpret this variant as pathogenic.

Blueprint Genetics
Classification: Pathogenic for COL4A4-related disorders. Last evaluated: 2017-08-24. Review status: criteria provided, single submitter. Criteria: ACMG Guidelines, 2015. Collection method: clinical testing. Allele origin: germline. Affected: yes. Observed: 1 variant allele.

Natera, Inc.
Classification: Pathogenic for Alport syndrome. Last evaluated: 2021-08-11. Review status: no assertion criteria provided. Collection method: clinical testing. Allele origin: germline. Not counted in ClinVar's aggregate classification.

Literature cited by the submitters: PubMed 25307543 (cited by 3 submitters); PubMed 21196518 (cited by Labcorp Genetics (formerly Invitae), Labcorp); PubMed 24854265 (cited by Labcorp Genetics (formerly Invitae), Labcorp); PubMed 26809805 (cited by Labcorp Genetics (formerly Invitae), Labcorp and New York Genome Center); PubMed 33838161 (cited by New York Genome Center).

NM_000092.5(COL4A4):c.2219dup (p.Val741fs)

Gene: COL4A4 (collagen type IV alpha 4 chain; minus strand). Cytogenetic location: 2q36.3.
Variant type: Duplication.
Coding change: c.2219dup on transcript NM_000092.5 (MANE Select); coding-DNA position 2219, one base duplicated (C; older notation c.2219dupC).
Protein change: p.Val741fs; shifts the reading frame from valine 741.
Molecular consequence: frameshift variant.
Genome position (GRCh38, 1-based): chr2:227,059,569, G duplicated on the plus strand (C on the coding strand, the reverse complement: COL4A4 is on the minus strand); the first of 4 consecutive G bases (chr2:227,059,569-227,059,572); duplicating any one gives the same sequence. VCF-style (leftmost placement, unchanged base first): chr2-227059568-A-AG. GRCh37 (hg19) VCF-style: chr2-227924284-A-AG.
Other names: c.2219dupC (NM_000092.5); c.2219dup (NM_000092.4); short protein forms V741fs.
Identifiers: ClinVar variation 817981 (VCV000817981.13), dbSNP rs141127013, ClinGen allele CA66587848.
Genomic context (GRCh38, chr2:227,059,568, plus strand): 5'-TCCCGGGATTCCTTTCTGACCATTCACTCCTGGTGAGCCGGGAGGGCCTGGGGGCCCAAC[A>AG]GGGGAGGACCCCTTTTCACCTCCAAAACCCGGATCTCCCATGTCACCACGAAAACCTATT-3'